The following is an entry in ClinVar:

ClinVar aggregate classification (germline): Likely pathogenic (1 of 4 stars; one submission).

Conditions:
Nephronophthisis. Also called: Juvenile Nephronophthisis. Identifiers: Orphanet 655, MedGen C0687120, MONDO:0019005, HP:0000090.

Submission:

Labcorp Genetics (formerly Invitae), Labcorp
Classification: Likely pathogenic for Nephronophthisis. Last evaluated: 2023-08-11. Review status: criteria provided, single submitter. Criteria: Invitae Variant Classification Sherloc (09022015). Collection method: clinical testing. Allele origin: germline.
Comment: In summary, the currently available evidence indicates that the variant is pathogenic, but additional data are needed to prove that conclusively. Therefore, this variant has been classified as Likely Pathogenic. Algorithms developed to predict the effect of sequence changes on RNA splicing suggest that this variant may disrupt the consensus splice site. This variant has not been reported in the literature in individuals affected with INVS-related conditions. This variant is not present in population databases (gnomAD no frequency). This sequence change affects an acceptor splice site in intron 3 of the INVS gene. It is expected to disrupt RNA splicing. Variants that disrupt the donor or acceptor splice site typically lead to a loss of protein function (PMID: 16199547), and loss-of-function variants in INVS are known to be pathogenic (PMID: 12872123).

Literature cited by the submitters: PubMed 16199547; PubMed 12872123.

NM_014425.5(INVS):c.274-2A>G

Gene: INVS (inversin; plus strand). Cytogenetic location: 9q31.1.
Variant type: single nucleotide variant.
Coding change: c.274-2A>G on transcript NM_014425.5 (MANE Select); the canonical splice acceptor site of the intron before coding-DNA position 274, A replaced by G.
Molecular consequence: splice acceptor variant.
Genome position (GRCh38, 1-based): chr9:100,226,060, A>G. VCF-style: chr9-100226060-A-G. GRCh37 (hg19) VCF-style: chr9-102988342-A-G.
Other names: c.-15-2A>G (NM_001318381.2); c.-716-2A>G (NM_001318382.2).
Identifiers: ClinVar variation 2751913 (VCV002751913.3), dbSNP rs2491192231, ClinGen allele CA374358971.